The following is an entry in ClinVar:

ClinVar aggregate classification (germline): Uncertain significance (1 of 4 stars; one submission).

Conditions:
Leber congenital amaurosis 1 (LCA1). Also called: RETINAL BLINDNESS, CONGENITAL; AMAUROSIS CONGENITA OF LEBER I; Congenital absence of the rods and cones; Leber's congenital tapetoretinal degeneration; Leber's congenital tapetoretinal dysplasia. Identifiers: Orphanet 65, MedGen C2931258, MONDO:0008764, OMIM 204000.

Submission:

Neuberg Centre For Genomic Medicine, NCGM
Classification: Uncertain significance for Leber congenital amaurosis 1. Review status: criteria provided, single submitter. Criteria: ACMG Guidelines, 2015. Collection method: clinical testing. Allele origin: germline. Inheritance: Autosomal recessive inheritance. Affected: yes.
Comment: The missense variant p.A946P in GUCY2D (NM_000180.4) has not been reported previously as a pathogenic variant nor as a benign variant, to our knowledge. The p.A946P variant is novel (not in any individuals) in gnomAD Exomes and is novel (not in any individuals) in 1000 Genomes. The p.A946P missense variant is predicted to be damaging by both SIFT and PolyPhen2. The alanine residue at codon 946 of GUCY2D is conserved in all mammalian species. The nucleotide c.2836 in GUCY2D is predicted conserved by GERP++ and PhyloP across 100 vertebrates. For these reasons, this variant has been classified as Uncertain Significance.

NM_000180.4(GUCY2D):c.2836G>C (p.Ala946Pro)

Gene: GUCY2D (guanylate cyclase 2D, retinal; plus strand). Cytogenetic location: 17p13.1.
Variant type: single nucleotide variant.
Coding change: c.2836G>C on transcript NM_000180.4 (MANE Select); coding-DNA position 2836, G replaced by C.
Protein change: p.Ala946Pro; replaces alanine 946 with proline.
Molecular consequence: missense variant.
Genome position (GRCh38, 1-based): chr17:8,015,394, G>C. VCF-style: chr17-8015394-G-C. GRCh37 (hg19) VCF-style: chr17-7918712-G-C.
Other names: short protein forms A946P.
Identifiers: ClinVar variation 2627533 (VCV002627533.1), dbSNP rs1975945845, ClinGen allele CA397954533.